The following is an entry in ClinVar:

NM_006509.4(RELB):c.656G>A (p.Arg219Gln)

Gene: RELB (RELB proto-oncogene, NF-kB subunit; plus strand). Cytogenetic location: 19q13.32.
Variant type: single nucleotide variant.
Coding change: c.656G>A on transcript NM_006509.4 (MANE Select); coding-DNA position 656, G replaced by A.
Protein change: p.Arg219Gln; replaces arginine 219 with glutamine.
Molecular consequence: missense variant.
Genome position (GRCh38, 1-based): chr19:45,022,204, G>A. VCF-style: chr19-45022204-G-A. GRCh37 (hg19) VCF-style: chr19-45525462-G-A.
Other names: c.647G>A, p.Arg216Gln (NM_001411087.1); short protein forms R216Q, R219Q.
Identifiers: ClinVar variation 3353186 (VCV003353186.4).

ClinVar aggregate classification (germline): Uncertain significance. Review status: criteria provided, multiple submitters, no conflicts (2 of 4 stars). 3 submissions from 3 submitters: Uncertain significance (2). 1 of the submissions does not count toward it. Last evaluated 2025-12-22.

Conditions:
RELB-related disorder. Also called: RELB-related condition.

Submissions (3):

Labcorp Genetics (formerly Invitae), Labcorp
Classification: Uncertain significance. Last evaluated: 2025-12-22. Review status: criteria provided, single submitter. Criteria: Invitae Variant Classification Sherloc (09022015). Collection method: clinical testing. Allele origin: germline.
Comment: This sequence change replaces arginine, which is basic and polar, with glutamine, which is neutral and polar, at codon 219 of the RELB protein (p.Arg219Gln). This variant is present in population databases (rs754800331, gnomAD 0.01%). This variant has not been reported in the literature in individuals affected with RELB-related conditions. ClinVar contains an entry for this variant (Variation ID: 3353186). An algorithm developed to predict the effect of missense changes on protein structure and function (PolyPhen-2) suggests that this variant is likely to be disruptive. In summary, the available evidence is currently insufficient to determine the role of this variant in disease. Therefore, it has been classified as a Variant of Uncertain Significance.

Blueprint Genetics
Classification: Uncertain significance. Last evaluated: 2024-11-21. Review status: criteria provided, single submitter. Criteria: ACMG Guidelines, 2015. Collection method: clinical testing. Allele origin: germline.

PreventionGenetics, part of Exact Sciences
Classification: Uncertain significance for RELB-related condition. Last evaluated: 2024-04-18. Review status: no assertion criteria provided. Collection method: clinical testing. Allele origin: germline. Not counted in ClinVar's aggregate classification.
Comment: The RELB c.656G>A variant is predicted to result in the amino acid substitution p.Arg219Gln. To our knowledge, this variant has not been reported in the literature. This variant is reported in 0.010% of alleles in individuals of South Asian descent in gnomAD. At this time, the clinical significance of this variant is uncertain due to the absence of conclusive functional and genetic evidence.